The following is an entry in ClinVar:

ClinVar aggregate classification (germline): Uncertain significance (1 of 4 stars; one submission).

Conditions:
Familial meningioma. Also called: Meningioma, familial, susceptibility to. Identifiers: Orphanet 263662, MedGen C3551915, MONDO:0011789, OMIM 607174.

Submission:

Labcorp Genetics (formerly Invitae), Labcorp
Classification: Uncertain significance for Familial meningioma. Last evaluated: 2023-06-06. Review status: criteria provided, single submitter. Criteria: Invitae Variant Classification Sherloc (09022015). Collection method: clinical testing. Allele origin: germline.
Comment: In summary, the available evidence is currently insufficient to determine the role of this variant in disease. Therefore, it has been classified as a Variant of Uncertain Significance. Advanced modeling of protein sequence and biophysical properties (such as structural, functional, and spatial information, amino acid conservation, physicochemical variation, residue mobility, and thermodynamic stability) performed at Invitae indicates that this missense variant is expected to disrupt SMARCE1 protein function. This variant has not been reported in the literature in individuals affected with SMARCE1-related conditions. This variant is not present in population databases (gnomAD no frequency). This sequence change replaces aspartic acid, which is acidic and polar, with asparagine, which is neutral and polar, at codon 90 of the SMARCE1 protein (p.Asp90Asn).

NM_003079.5(SMARCE1):c.268G>A (p.Asp90Asn)

Gene: SMARCE1 (SWI/SNF related BAF chromatin remodeling complex subunit E1; minus strand). Cytogenetic location: 17q21.2.
Variant type: single nucleotide variant.
Coding change: c.268G>A on transcript NM_003079.5 (MANE Select); coding-DNA position 268, G replaced by A.
Protein change: p.Asp90Asn; replaces aspartic acid 90 with asparagine.
Molecular consequence: missense variant.
Genome position (GRCh38, 1-based): chr17:40,636,496, C>T on the plus strand (G>A on the coding strand, the complement: SMARCE1 is on the minus strand). VCF-style: chr17-40636496-C-T. GRCh37 (hg19) VCF-style: chr17-38792748-C-T.
Other names: short protein forms D90N.
Identifiers: ClinVar variation 2693877 (VCV002693877.3), dbSNP rs2508604680, ClinGen allele CA399367469.